The following is an entry in ClinVar:

ClinVar aggregate classification (germline): Uncertain significance (1 of 4 stars; one submission).

Submission:

Labcorp Genetics (formerly Invitae), Labcorp
Classification: Uncertain significance. Last evaluated: 2024-01-10. Review status: criteria provided, single submitter. Criteria: Invitae Variant Classification Sherloc (09022015). Collection method: clinical testing. Allele origin: germline.
Comment: This sequence change replaces tyrosine, which is neutral and polar, with cysteine, which is neutral and slightly polar, at codon 554 of the ARIH1 protein (p.Tyr554Cys). This variant is not present in population databases (gnomAD no frequency). This variant has not been reported in the literature in individuals affected with ARIH1-related conditions. An algorithm developed to predict the effect of missense changes on protein structure and function (PolyPhen-2) suggests that this variant is likely to be disruptive. In summary, the available evidence is currently insufficient to determine the role of this variant in disease. Therefore, it has been classified as a Variant of Uncertain Significance.

NM_005744.5(ARIH1):c.1661A>G (p.Tyr554Cys)

Gene: ARIH1 (ariadne RBR E3 ubiquitin protein ligase 1; plus strand). Cytogenetic location: 15q24.1.
Variant type: single nucleotide variant.
Coding change: c.1661A>G on transcript NM_005744.5 (MANE Select); coding-DNA position 1661, A replaced by G.
Protein change: p.Tyr554Cys; replaces tyrosine 554 with cysteine.
Molecular consequence: missense variant.
Genome position (GRCh38, 1-based): chr15:72,583,279, A>G. VCF-style: chr15-72583279-A-G. GRCh37 (hg19) VCF-style: chr15-72875620-A-G.
Other names: short protein forms Y554C.
Identifiers: ClinVar variation 2708726 (VCV002708726.3), dbSNP rs2542781336, ClinGen allele CA393242549.